The following is an entry in ClinVar:

ClinVar aggregate classification (germline): Likely pathogenic (0 of 4 stars; one submission).

Conditions:
SI-related disorder. Also called: SI-related condition.

Submission:

PreventionGenetics, part of Exact Sciences
Classification: Likely pathogenic for SI-related condition. Last evaluated: 2024-03-22. Review status: no assertion criteria provided. Collection method: clinical testing. Allele origin: germline.
Comment: The SI c.2880T>A variant is predicted to result in premature protein termination (p.Cys960*). To our knowledge, this variant has not been reported in the literature or in a large population database, indicating this variant is rare. Nonsense variants in SI are expected to be pathogenic. This variant is interpreted as likely pathogenic.

NM_001041.4(SI):c.2880T>A (p.Cys960Ter)

Gene: SI (sucrase-isomaltase; minus strand). Cytogenetic location: 3q26.1.
Variant type: single nucleotide variant.
Coding change: c.2880T>A on transcript NM_001041.4 (MANE Select); coding-DNA position 2880, T replaced by A.
Protein change: p.Cys960Ter; replaces cysteine 960 with a stop codon.
Molecular consequence: nonsense.
Genome position (GRCh38, 1-based): chr3:165,030,724, A>T on the plus strand (T>A on the coding strand, the complement: SI is on the minus strand). VCF-style: chr3-165030724-A-T. GRCh37 (hg19) VCF-style: chr3-164748512-A-T.
Other names: short protein forms C960*.
Identifiers: ClinVar variation 3348628 (VCV003348628.1).